The following is an entry in ClinVar:

NM_003320.5(TUB):c.180G>A (p.Trp60Ter)

Gene: TUB (TUB bipartite transcription factor; plus strand). Cytogenetic location: 11p15.4.
Variant type: single nucleotide variant.
Coding change: c.180G>A on transcript NM_003320.5; coding-DNA position 180, G replaced by A.
Protein change: p.Trp60Ter; replaces tryptophan 60 with a stop codon.
Molecular consequence: nonsense. On other transcripts: intron variant (4).
Genome position (GRCh38, 1-based): chr11:8,039,669, G>A. VCF-style: chr11-8039669-G-A. GRCh37 (hg19) VCF-style: chr11-8061216-G-A.
Other names: c.56+20311G>A (NM_001440538.1, NM_001440539.1, NM_001440540.1 and 1 more transcripts); short protein forms W60*.
Identifiers: ClinVar variation 1381623 (VCV001381623.6), dbSNP rs1942711024, ClinGen allele CA379567225.

ClinVar aggregate classification (germline): Uncertain significance. Review status: criteria provided, single submitter (1 of 4 stars). 2 submissions from 2 submitters: Uncertain significance (1). 1 of the submissions does not count toward it. Last evaluated 2024-10-29.

Conditions:
TUB-related disorder. Also called: TUB-related condition.

Allele frequency attached by ClinVar (database versions not stated): TOPMed below 0.00001.
gnomAD v4.1: 3 of 1,537,224 alleles (0.0002%); highest among the groups gnomAD compares: African/African-American, 0.0014%; no homozygotes.

Submissions (2):

Labcorp Genetics (formerly Invitae), Labcorp
Classification: Uncertain significance. Last evaluated: 2024-10-29. Review status: criteria provided, single submitter. Criteria: Invitae Variant Classification Sherloc (09022015). Collection method: clinical testing. Allele origin: germline.
Comment: This sequence change creates a premature translational stop signal (p.Trp60*) in the TUB gene. However, it is currently unclear if variants that occur in this region of the gene cause disease. This variant is not present in population databases (gnomAD no frequency). This variant has not been reported in the literature in individuals affected with TUB-related conditions. ClinVar contains an entry for this variant (Variation ID: 1381623). In summary, the available evidence is currently insufficient to determine the role of this variant in disease. Therefore, it has been classified as a Variant of Uncertain Significance.

PreventionGenetics, part of Exact Sciences
Classification: Uncertain significance for TUB-related condition. Last evaluated: 2023-12-05. Review status: no assertion criteria provided. Collection method: clinical testing. Allele origin: germline. Not counted in ClinVar's aggregate classification.
Comment: The TUB c.180G>A variant is predicted to result in premature protein termination (p.Trp60*). To our knowledge, this variant has not been reported in the literature or in a large population database, indicating this variant is rare. At this time, the clinical significance of this variant is uncertain due to the absence of conclusive functional and genetic evidence.